The following is an entry in ClinVar:

NM_181486.4(TBX5):c.1115_1116dup (p.Ala373fs)

Gene: TBX5 (T-box transcription factor 5; minus strand). Cytogenetic location: 12q24.21.
Variant type: Duplication.
Coding change: c.1115_1116dup on transcript NM_181486.4 (MANE Select); coding-DNA positions 1115 to 1116, 2 bases duplicated (CG; older notation c.1115_1116dupCG).
Protein change: p.Ala373fs; shifts the reading frame from alanine 373.
Molecular consequence: frameshift variant.
Genome position (GRCh38, 1-based): chr12:114,355,973-114,355,974, CG duplicated on the plus strand (CG on the coding strand, the reverse complement: TBX5 is on the minus strand). VCF-style (leftmost placement, unchanged base first): chr12-114355972-C-CCG. GRCh37 (hg19) VCF-style: chr12-114793777-C-CCG.
Other names: c.1115_1116dup, p.Ala373fs (NM_000192.3); c.965_966dup, p.Ala323fs (NM_080717.4); c.1115_1116dupCG (NM_000192.3); short protein forms A323fs, A373fs.
Identifiers: ClinVar variation 817157 (VCV000817157.1), dbSNP rs1593836748, ClinGen allele CA915946717.

ClinVar aggregate classification (germline): Likely pathogenic (1 of 4 stars; one submission).

Submission:

GeneDx
Classification: Likely pathogenic. Last evaluated: 2018-07-13. Review status: criteria provided, single submitter. Criteria: GeneDx Variant Classification (06012015). Collection method: clinical testing. Allele origin: germline. Affected: yes.
Comment: The c.1115_1116dupCG pathogenic variant in the TBX5 gene causes a frameshift starting with codon Alanine 373, changes this amino acid to a Arginine residue and creates a premature Stop codon at position 22 of the new reading frame, denoted p.Ala373ArgfsX22. This pathogenic variant is predicted to cause loss of normal protein function through protein truncation, as the last 146 amino acids are replaced by 21 aberrant amino acids. The c.1115_1116dupCG variant has not been previously reported, to our knowledge, and is not observed in large population cohorts (Lek et al., 2016). In summary, this variant is likely pathogenic; however, the possibility that it is benign cannot be excluded.